The following is an entry in ClinVar:

NM_000535.7(PMS2):c.1170G>T (p.Ala390=)

Gene: PMS2 (PMS1 homolog 2, mismatch repair system component; minus strand). Cytogenetic location: 7p22.1.
Variant type: single nucleotide variant.
Coding change: c.1170G>T on transcript NM_000535.7 (MANE Select); coding-DNA position 1170, G replaced by T.
Protein change: p.Ala390=; no amino-acid change (alanine 390 retained).
Molecular consequence: synonymous variant. On other transcripts: non-coding transcript variant (1), intron variant (1).
Genome position (GRCh38, 1-based): chr7:5,987,595, C>A on the plus strand (G>T on the coding strand, the complement: PMS2 is on the minus strand). VCF-style: chr7-5987595-C-A. GRCh37 (hg19) VCF-style: chr7-6027226-C-A.
Other names: c.852G>T, p.Ala284= (NM_001406903.1, NM_001322007.2, NM_001322008.2 and 2 more transcripts); c.657G>T, p.Ala219= (NM_001406904.1, NM_001406905.1); c.609G>T, p.Ala203= (NM_001406906.1, NM_001406907.1, NM_001322010.2); c.765G>T, p.Ala255= (NM_001406908.1, NM_001406910.1, NM_001322003.2 and 16 more transcripts); c.597G>T, p.Ala199= (NM_001406909.1, NM_001322013.2); c.399G>T, p.Ala133= (NM_001406911.1); c.804-4604G>T (NM_001406912.1); c.1014G>T, p.Ala338= (NM_001322006.2, NM_001406870.1); and 13 more.
Identifiers: ClinVar variation 3903958 (VCV003903958.1).

ClinVar aggregate classification (germline): Benign (1 of 4 stars; one submission).

Conditions:
Lynch syndrome 4 (LYNCH4). Also called: Colorectal cancer, hereditary nonpolyposis, type 4; Hereditary non-polyposis colorectal cancer, type 4. Identifiers: Orphanet 144, MedGen C1838333, MONDO:0013699, OMIM 614337. Disease mechanism: loss of function.

Submission:

Myriad Genetics, Inc.
Classification: Benign for Lynch syndrome 4. Last evaluated: 2025-01-30. Review status: criteria provided, single submitter. Criteria: Myriad Autosomal Dominant, Autosomal Recessive and X-Linked Classification Criteria (2023). Collection method: clinical testing. Allele origin: unknown.
Comment: This variant is considered benign. This variant is a silent/synonymous amino acid change and it is not expected to impact splicing.